The following is an entry in ClinVar:

ClinVar aggregate classification (germline): Uncertain significance. Review status: criteria provided, multiple submitters, no conflicts (2 of 4 stars). 2 submissions from 2 submitters: Uncertain significance (2). Last evaluated 2022-04-07.

Conditions:
Developmental and epileptic encephalopathy, 13 (DEE13). Also called: Developmental and Epileptic Encephalopathy (SCN8A-DEE); Early infantile epileptic encephalopathy 13; SCN8A-Related Epilepsy. Identifiers: Orphanet 442835, MedGen C3281191, MONDO:0013801, OMIM 614558.

gnomAD v4.1: 1 of 1,610,072 alleles (0.000062%); highest among the groups gnomAD compares: South Asian, 0.0011%; no homozygotes.

Submissions (2):

MGZ Medical Genetics Center
Classification: Uncertain significance for Developmental and epileptic encephalopathy, 13. Last evaluated: 2022-04-07. Review status: criteria provided, single submitter. Criteria: ACMG Guidelines, 2015. Collection method: clinical testing. Allele origin: germline. Affected: yes. Observed: 1 variant allele.
Comment: ACMG criteria applied: PM2_SUP, PP2, PP3

GeneDx
Classification: Uncertain significance. Last evaluated: 2021-04-13. Review status: criteria provided, single submitter. Criteria: GeneDx Variant Classification Process June 2021. Collection method: clinical testing. Allele origin: germline. Affected: yes.
Comment: Not observed in large population cohorts (Lek et al., 2016); Missense variants in this gene are often considered pathogenic (Stenson et al., 2014); In silico analysis supports that this missense variant does not alter protein structure/function; Has not been previously published as pathogenic or benign to our knowledge; This substitution is predicted to be in the cytoplasmic loop between the first and second homologous domains

NM_001330260.2(SCN8A):c.2105G>C (p.Ser702Thr)

Gene: SCN8A (sodium voltage-gated channel alpha subunit 8; plus strand). Cytogenetic location: 12q13.13.
Variant type: single nucleotide variant.
Coding change: c.2105G>C on transcript NM_001330260.2 (MANE Select); coding-DNA position 2105, G replaced by C.
Protein change: p.Ser702Thr; replaces serine 702 with threonine.
Molecular consequence: missense variant.
Genome position (GRCh38, 1-based): chr12:51,746,009, G>C. VCF-style: chr12-51746009-G-C. GRCh37 (hg19) VCF-style: chr12-52139793-G-C.
Other names: c.2105G>C, p.Ser702Thr (NM_001177984.3, NM_001369788.1, NM_014191.4); short protein forms S702T.
Identifiers: ClinVar variation 1317639 (VCV001317639.4), dbSNP rs2138828935, ClinGen allele CA384878944.
Genomic context (GRCh38, chr12:51,746,009, plus strand): 5'-TAGTTTCCATGGACCAATTAGCCTCCTACGGGCGGAAGGACAGAATCAACAGTATAATGA[G>C]TGTTGTTACAAATACACTAGTAGAAGGTATGTGCCCTATAATGTCAGTCCAACCGCTGAG-3'
Protein context (NP_001317189.1, residues 692-712): GRKDRINSIM[Ser702Thr]VVTNTLVEEL